The following is an entry in ClinVar:

ClinVar aggregate classification (germline): Likely pathogenic. Review status: criteria provided, single submitter (1 of 4 stars). 2 submissions from 2 submitters: Likely pathogenic (1). 1 of the submissions does not count toward it. Last evaluated 2025-06-19.

Conditions:
VPS13A-related neurodegenerative disease. Also called: Choreoacanthocytosis; Chorea-acanthocytosis; VPS13A Disease; Choreaacanthocytosis; LEVINE-CRITCHLEY SYNDROME; ACANTHOCYTOSIS WITH NEUROLOGIC DISORDER. Identifiers: Orphanet 2388, MedGen C0393576, MONDO:0008695, OMIM 200150.

Allele frequency attached by ClinVar (database versions not stated): gnomAD exomes below 0.00001; ExAC 0.00001; gnomAD 0.00002 and 0.00003; TOPMed 0.00003; ESP Exome Variant Server 0.00008.
gnomAD v4.1: 7 of 1,611,550 alleles (0.00043%); highest among the groups gnomAD compares: Non-Finnish European, 0.00059%; no homozygotes.

Submissions (2):

Labcorp Genetics (formerly Invitae), Labcorp
Classification: Likely pathogenic. Last evaluated: 2025-06-19. Review status: criteria provided, single submitter. Criteria: Invitae Variant Classification Sherloc (09022015). Collection method: clinical testing. Allele origin: germline.
Comment: This sequence change affects a donor splice site in intron 56 of the VPS13A gene. It is expected to disrupt RNA splicing. Variants that disrupt the donor or acceptor splice site typically lead to a loss of protein function (PMID: 16199547), and loss-of-function variants in VPS13A are known to be pathogenic (PMID: 12404112, 21598378). This variant is present in population databases (rs372141290, gnomAD 0.002%). This variant has not been reported in the literature in individuals affected with VPS13A-related conditions. ClinVar contains an entry for this variant (Variation ID: 655028). Algorithms developed to predict the effect of sequence changes on RNA splicing suggest that this variant may disrupt the consensus splice site. In summary, the currently available evidence indicates that the variant is pathogenic, but additional data are needed to prove that conclusively. Therefore, this variant has been classified as Likely Pathogenic.

Natera, Inc.
Classification: Likely pathogenic for Choreaacanthocytosis. Last evaluated: 2020-08-18. Review status: no assertion criteria provided. Collection method: clinical testing. Allele origin: germline. Not counted in ClinVar's aggregate classification.

Literature cited by the submitters: PubMed 16199547 (cited by Labcorp Genetics (formerly Invitae), Labcorp); PubMed 12404112 (cited by Labcorp Genetics (formerly Invitae), Labcorp); PubMed 21598378 (cited by Labcorp Genetics (formerly Invitae), Labcorp).

NM_033305.3(VPS13A):c.7953+1G>A

Gene: VPS13A (vacuolar protein sorting 13 homolog A; plus strand). Cytogenetic location: 9q21.2.
Variant type: single nucleotide variant.
Coding change: c.7953+1G>A on transcript NM_033305.3 (MANE Select); the canonical splice donor site of the intron after coding-DNA position 7953, G replaced by A.
Molecular consequence: splice donor variant.
Genome position (GRCh38, 1-based): chr9:77,357,839, G>A. VCF-style: chr9-77357839-G-A. GRCh37 (hg19) VCF-style: chr9-79972755-G-A.
Other names: c.7836+1G>A (NM_001018037.2); c.7953+1G>A (NM_015186.4, NM_001018038.3).
Identifiers: ClinVar variation 655028 (VCV000655028.7), dbSNP rs372141290, ClinGen allele CA5093477.